The following is an entry in ClinVar:

NM_018136.5(ASPM):c.5164A>T (p.Arg1722Ter)

Gene: ASPM (assembly factor for spindle microtubules; minus strand). Cytogenetic location: 1q31.3.
Variant type: single nucleotide variant.
Coding change: c.5164A>T on transcript NM_018136.5 (MANE Select); coding-DNA position 5164, A replaced by T.
Protein change: p.Arg1722Ter; replaces arginine 1722 with a stop codon.
Molecular consequence: nonsense. On other transcripts: intron variant (1).
Genome position (GRCh38, 1-based): chr1:197,104,087, T>A on the plus strand (A>T on the coding strand, the complement: ASPM is on the minus strand). VCF-style: chr1-197104087-T-A. GRCh37 (hg19) VCF-style: chr1-197073217-T-A.
Other names: c.4066-7923A>T (NM_001206846.2); short protein forms R1722*.
Identifiers: ClinVar variation 2430451 (VCV002430451.1), dbSNP rs773553177, ClinGen allele CA344027397.

ClinVar aggregate classification (germline): Pathogenic (1 of 4 stars; one submission).

Allele frequency attached by ClinVar (database versions not stated): gnomAD 0.00001; TOPMed 0.00001.
gnomAD v4.1: 3 of 1,612,914 alleles (0.00019%); highest among the groups gnomAD compares: African/African-American, 0.004%; no homozygotes.

Submission:

GeneDx
Classification: Pathogenic. Last evaluated: 2022-08-26. Review status: criteria provided, single submitter. Criteria: GeneDx Variant Classification Process June 2021. Collection method: clinical testing. Allele origin: germline. Affected: yes.
Comment: Nonsense variant predicted to result in protein truncation or nonsense mediated decay in a gene for which loss of function is a known mechanism of disease; Not observed at significant frequency in large population cohorts (gnomAD); Has not been previously published as pathogenic or benign to our knowledge